The following is an entry in ClinVar:

NM_000501.4(ELN):c.377-14C>T

Gene: ELN (elastin; plus strand). Cytogenetic location: 7q11.23.
Variant type: single nucleotide variant.
Coding change: c.377-14C>T on transcript NM_000501.4 (MANE Select); 14 bases into the intron before coding-DNA position 377, C replaced by T.
Molecular consequence: intron variant. On other transcripts: synonymous variant (3).
Genome position (GRCh38, 1-based): chr7:74,043,104, C>T. VCF-style: chr7-74043104-C-T. GRCh37 (hg19) VCF-style: chr7-73457434-C-T.
Other names: c.378C>T (NM_001081754.2); c.378C>T, p.Ala126= (NM_001081753.3, NM_001081754.3); c.348C>T, p.Ala116= (NM_001278914.2); c.377-14C>T (NM_001278939.2, NM_001278915.2, NM_001278912.2 and 2 more transcripts); c.341-14C>T (NM_001278913.2); c.347-14C>T (NM_001278917.2, NM_001081752.3, NM_001278918.2).
Identifiers: ClinVar variation 2041670 (VCV002041670.19), dbSNP rs553445630, ClinGen allele CA4292463.

ClinVar aggregate classification (germline): Likely benign. Review status: criteria provided, multiple submitters, no conflicts (2 of 4 stars). 3 submissions from 3 submitters: Likely benign (2). 1 of the submissions does not count toward it. Last evaluated 2025-02-01.

Conditions:
Supravalvar aortic stenosis (SVAS). Also called: Supravalvar aortic stenosis, Eisenberg type. Identifiers: Orphanet 3193, MedGen C0003499, MONDO:0008504, OMIM 185500, HP:0004381.
ELN-related disorder.

Allele frequency attached by ClinVar (database versions not stated): TOPMed 0.00001; gnomAD 0.00004; ExAC 0.00006; 1000 Genomes Project 30x 0.00031; 1000 Genomes Project 0.00040.
gnomAD v4.1: 39 of 1,614,024 alleles (0.0024%); highest among the groups gnomAD compares: South Asian, 0.037%; no homozygotes.

Submissions (3):

CeGaT Center for Human Genetics Tuebingen
Classification: Likely benign. Last evaluated: 2025-02-01. Review status: criteria provided, single submitter. Criteria: CeGaT Center For Human Genetics Tuebingen Variant Classification Criteria Version 2. Collection method: clinical testing. Allele origin: germline. Affected: yes. Observed: 1 variant allele.
Comment: ELN: BP4, BP7

Labcorp Genetics (formerly Invitae), Labcorp
Classification: Likely benign for Supravalvar aortic stenosis. Last evaluated: 2023-01-20. Review status: criteria provided, single submitter. Criteria: Invitae Variant Classification Sherloc (09022015). Collection method: clinical testing. Allele origin: germline.

PreventionGenetics, part of Exact Sciences
Classification: Likely benign for ELN-related condition. Last evaluated: 2021-04-27. Review status: no assertion criteria provided. Collection method: clinical testing. Allele origin: germline. Not counted in ClinVar's aggregate classification.
Comment: This variant is classified as likely benign based on ACMG/AMP sequence variant interpretation guidelines (Richards et al. 2015 PMID: 25741868, with internal and published modifications).